The following is an entry in ClinVar:

NM_001378778.1(MPDZ):c.5924T>C (p.Ile1975Thr)

Gene: MPDZ (multiple PDZ domain crumbs cell polarity complex component; minus strand). Cytogenetic location: 9p23.
Variant type: single nucleotide variant.
Coding change: c.5924T>C on transcript NM_001378778.1 (MANE Select); coding-DNA position 5924, T replaced by C.
Protein change: p.Ile1975Thr; replaces isoleucine 1975 with threonine.
Molecular consequence: missense variant.
Genome position (GRCh38, 1-based): chr9:13,109,970, A>G on the plus strand (T>C on the coding strand, the complement: MPDZ is on the minus strand). VCF-style: chr9-13109970-A-G. GRCh37 (hg19) VCF-style: chr9-13109969-A-G.
Other names: c.5825T>C, p.Ile1942Thr (NM_001261406.2, NM_001375416.1, NM_001375417.1 and 1 more transcripts); c.5738T>C, p.Ile1913Thr (NM_001261407.2, NM_001375419.1); c.5924T>C, p.Ile1975Thr (NM_001330637.2); c.6023T>C, p.Ile2008Thr (NM_001375413.1); c.5714T>C, p.Ile1905Thr (NM_001375420.1, NM_001375421.1, NM_001375422.1 and 2 more transcripts); c.5627T>C, p.Ile1876Thr (NM_001375425.1, NM_001375426.1); c.5516T>C, p.Ile1839Thr (NM_001375427.1); c.5837T>C, p.Ile1946Thr (NM_003829.5); and 1 more; short protein forms I1905T, I1975T, I1839T, I1876T, I1913T, I1942T, I1946T, I2008T.
Identifiers: ClinVar variation 1438040 (VCV001438040.5), dbSNP rs201230061, ClinGen allele CA4986047.

ClinVar aggregate classification (germline): Uncertain significance. Review status: criteria provided, multiple submitters, no conflicts (2 of 4 stars). 3 submissions from 3 submitters: Uncertain significance (3). Last evaluated 2024-01-04.

Conditions:
Inborn genetic diseases. Identifiers: MedGen C0950123, MeSH D030342.

Allele frequency attached by ClinVar (database versions not stated): ExAC 0.00010; gnomAD exomes 0.00010 and 0.00023; gnomAD 0.00018 and 0.00020; TOPMed 0.00023; ESP Exome Variant Server 0.00041.
gnomAD v4.1: 360 of 1,612,782 alleles (0.022%); highest among the groups gnomAD compares: Non-Finnish European, 0.029%; no homozygotes.

Submissions (3):

GeneDx
Classification: Uncertain significance. Last evaluated: 2024-01-04. Review status: criteria provided, single submitter. Criteria: GeneDx Variant Classification Process June 2021. Collection method: clinical testing. Allele origin: germline. Affected: yes.
Comment: In silico analysis supports that this missense variant does not alter protein structure/function; This variant is associated with the following publications: (PMID: 29924831)

Labcorp Genetics (formerly Invitae), Labcorp
Classification: Uncertain significance. Last evaluated: 2022-10-25. Review status: criteria provided, single submitter. Criteria: Invitae Variant Classification Sherloc (09022015). Collection method: clinical testing. Allele origin: germline.
Comment: This sequence change replaces isoleucine, which is neutral and non-polar, with threonine, which is neutral and polar, at codon 1946 of the MPDZ protein (p.Ile1946Thr). This variant is present in population databases (rs201230061, gnomAD 0.02%). This variant has not been reported in the literature in individuals affected with MPDZ-related conditions. ClinVar contains an entry for this variant (Variation ID: 1438040). Algorithms developed to predict the effect of missense changes on protein structure and function are either unavailable or do not agree on the potential impact of this missense change (SIFT: "Tolerated"; PolyPhen-2: "Possibly Damaging"; Align-GVGD: "Class C0"). In summary, the available evidence is currently insufficient to determine the role of this variant in disease. Therefore, it has been classified as a Variant of Uncertain Significance.

Ambry Genetics
Classification: Uncertain significance for Inborn genetic diseases. Last evaluated: 2022-08-11. Review status: criteria provided, single submitter. Criteria: Ambry Variant Classification Scheme 2023. Collection method: clinical testing. Allele origin: germline.